The following is an entry in ClinVar:

ClinVar aggregate classification (germline): Likely pathogenic (1 of 4 stars; one submission).

Submission:

Labcorp Genetics (formerly Invitae), Labcorp
Classification: Likely pathogenic. Last evaluated: 2025-04-17. Review status: criteria provided, single submitter. Criteria: Invitae Variant Classification Sherloc (09022015). Collection method: clinical testing. Allele origin: germline.
Comment: This sequence change affects an acceptor splice site in intron 26 of the CARMIL2 gene. It is expected to disrupt RNA splicing. Variants that disrupt the donor or acceptor splice site typically lead to a loss of protein function (PMID: 16199547), and loss-of-function variants in CARMIL2 are known to be pathogenic (PMID: 27647349, 28112205). This variant is not present in population databases (gnomAD no frequency). This variant has not been reported in the literature in individuals affected with CARMIL2-related conditions. Algorithms developed to predict the effect of sequence changes on RNA splicing suggest that this variant may disrupt the consensus splice site. In summary, the currently available evidence indicates that the variant is pathogenic, but additional data are needed to prove that conclusively. Therefore, this variant has been classified as Likely Pathogenic.

Literature cited by the submitters: PubMed 16199547; PubMed 27647349; PubMed 28112205.

NM_001013838.3(CARMIL2):c.2677-1G>A

Gene: CARMIL2 (capping protein regulator and myosin 1 linker 2; plus strand). Cytogenetic location: 16q22.1.
Variant type: single nucleotide variant.
Coding change: c.2677-1G>A on transcript NM_001013838.3 (MANE Select); the canonical splice acceptor site of the intron before coding-DNA position 2677, G replaced by A.
Molecular consequence: splice acceptor variant.
Genome position (GRCh38, 1-based): chr16:67,652,198, G>A. VCF-style: chr16-67652198-G-A. GRCh37 (hg19) VCF-style: chr16-67686101-G-A.
Other names: c.2569-1G>A (NM_001438835.1, NM_001438244.1, NM_001317026.3).
Identifiers: ClinVar variation 4729080 (VCV004729080.1).